The following is an entry in ClinVar:

ClinVar aggregate classification (germline): Uncertain significance (1 of 4 stars; one submission).

Conditions:
Inborn genetic diseases. Identifiers: MedGen C0950123, MeSH D030342.

gnomAD v4.1: 1 of 1,613,524 alleles (0.000062%); highest among the groups gnomAD compares: Admixed American, 0.0017%; no homozygotes.

Submission:

Ambry Genetics
Classification: Uncertain significance for Inborn genetic diseases. Last evaluated: 2026-01-09. Review status: criteria provided, single submitter. Criteria: Ambry Variant Classification Scheme 2023. Collection method: clinical testing. Allele origin: germline.
Comment: The c.1135G>A (p.V379M) alteration is located in exon 9 (coding exon 9) of the ACO2 gene. This alteration results from a G to A substitution at nucleotide position 1135, causing the valine (V) at amino acid position 379 to be replaced by a methionine (M). Based on data from gnomAD, the A allele has an overall frequency of <0.001% (1/250952) total alleles studied. The highest observed frequency was 0.003% (1/34562) of Latino alleles. Based on insufficient or conflicting evidence, the clinical significance of this alteration remains unclear.

NM_001098.3(ACO2):c.1135G>A (p.Val379Met)

Gene: ACO2 (aconitase 2; plus strand). Cytogenetic location: 22q13.2.
Variant type: single nucleotide variant.
Coding change: c.1135G>A on transcript NM_001098.3 (MANE Select); coding-DNA position 1135, G replaced by A.
Protein change: p.Val379Met; replaces valine 379 with methionine.
Molecular consequence: missense variant.
Genome position (GRCh38, 1-based): chr22:41,520,273, G>A. VCF-style: chr22-41520273-G-A. GRCh37 (hg19) VCF-style: chr22-41916277-G-A.
Other names: short protein forms V379M.
Identifiers: ClinVar variation 4839151 (VCV004839151.1).